The following is an entry in ClinVar:

NM_001358530.2(MOCS1):c.439G>A (p.Gly147Arg)

Gene: MOCS1 (molybdenum cofactor synthesis 1; minus strand). Cytogenetic location: 6p21.2.
Variant type: single nucleotide variant.
Coding change: c.439G>A on transcript NM_001358530.2 (MANE Select); coding-DNA position 439, G replaced by A.
Protein change: p.Gly147Arg; replaces glycine 147 with arginine.
Molecular consequence: missense variant. On other transcripts: non-coding transcript variant (1).
Genome position (GRCh38, 1-based): chr6:39,916,212, C>T on the plus strand (G>A on the coding strand, the complement: MOCS1 is on the minus strand). VCF-style: chr6-39916212-C-T. GRCh37 (hg19) VCF-style: chr6-39883956-C-T.
Other names: c.439G>A, p.Gly147Arg (NM_001075098.4, NM_001358529.2, NM_005943.6); c.178G>A, p.Gly60Arg (NM_001358531.2, NM_001358533.2, NM_001358534.2); short protein forms G147R, G60R.
Identifiers: ClinVar variation 809930 (VCV000809930.44), dbSNP rs1582817556, ClinGen allele CA364044562.

ClinVar aggregate classification (germline): Uncertain significance. Review status: criteria provided, multiple submitters, no conflicts (2 of 4 stars). 2 submissions from 2 submitters: Uncertain significance (2). Last evaluated 2023-08-04.

Conditions:
Sulfite oxidase deficiency due to molybdenum cofactor deficiency type A. Also called: Molybdenum Cofactor Deficiency A; Molybdenum cofactor deficiency, complementation group A. Identifiers: Orphanet 308386, Orphanet 833, MedGen C1854988, MONDO:0009643, OMIM 252150.

Allele frequency attached by ClinVar (database versions not stated): TOPMed below 0.00001; gnomAD exomes 0.00001.
gnomAD v4.1: 4 of 1,613,778 alleles (0.00025%); highest among the groups gnomAD compares: South Asian, 0.0011%; no homozygotes.

Submissions (2):

Labcorp Genetics (formerly Invitae), Labcorp
Classification: Uncertain significance for Sulfite oxidase deficiency due to molybdenum cofactor deficiency type A. Last evaluated: 2023-08-04. Review status: criteria provided, single submitter. Criteria: Invitae Variant Classification Sherloc (09022015). Collection method: clinical testing. Allele origin: germline.
Comment: In summary, the available evidence is currently insufficient to determine the role of this variant in disease. Therefore, it has been classified as a Variant of Uncertain Significance. An algorithm developed to predict the effect of missense changes on protein structure and function (PolyPhen-2) suggests that this variant is likely to be disruptive. ClinVar contains an entry for this variant (Variation ID: 809930). This variant has not been reported in the literature in individuals affected with MOCS1-related conditions. This variant is not present in population databases (gnomAD no frequency). This sequence change replaces glycine, which is neutral and non-polar, with arginine, which is basic and polar, at codon 147 of the MOCS1 protein (p.Gly147Arg).

CeGaT Center for Human Genetics Tuebingen
Classification: Uncertain significance. Last evaluated: 2019-02-01. Review status: criteria provided, single submitter. Criteria: CeGaT Center For Human Genetics Tuebingen Variant Classification Criteria Version 2. Collection method: clinical testing. Allele origin: germline. Affected: yes. Observed: 1 variant allele.